The following is an entry in ClinVar:

ClinVar aggregate classification (germline): Uncertain significance. Review status: criteria provided, multiple submitters, no conflicts (2 of 4 stars). 6 submissions from 6 submitters: Uncertain significance (6). Last evaluated 2025-11-10.

Conditions:
Hereditary cancer-predisposing syndrome. Also called: Neoplastic Syndromes, Hereditary; Hereditary Cancer Syndrome; Hereditary neoplastic syndrome; Tumor predisposition. Identifiers: Orphanet 140162, MedGen C0027672, MeSH D009386, MONDO:0015356.
Aplastic anemia. Identifiers: Orphanet 182040, Orphanet 88, MedGen C0002874, MONDO:0015909, OMIM 609135, HP:0001915.
Microcephaly, normal intelligence and immunodeficiency (NBS). Also called: Immunodeficiency, microcephaly with normal intelligence; SEEMANOVA SYNDROME II; Nijmegen breakage syndrome; Microcephaly with normal intelligence immunodeficiency and lymphoreticular malignancies; Nonsyndromal microcephaly autosomal recessive with normal intelligence; Seemanova syndrome 2. Identifiers: Orphanet 647, MedGen C0398791, MONDO:0009623, OMIM 251260.

Allele frequency attached by ClinVar (database versions not stated): gnomAD exomes 0.00001.
gnomAD v4.1: 11 of 1,612,936 alleles (0.00068%); highest among the groups gnomAD compares: Non-Finnish European, 0.00076%; no homozygotes.

Submissions (6):

Labcorp Genetics (formerly Invitae), Labcorp
Classification: Uncertain significance for Microcephaly, normal intelligence and immunodeficiency. Last evaluated: 2025-11-10. Review status: criteria provided, single submitter. Criteria: Invitae Variant Classification Sherloc (09022015). Collection method: clinical testing. Allele origin: germline.
Comment: This sequence change replaces serine, which is neutral and polar, with proline, which is neutral and non-polar, at codon 486 of the NBN protein (p.Ser486Pro). This variant is not present in population databases (gnomAD no frequency). This variant has not been reported in the literature in individuals affected with NBN-related conditions. ClinVar contains an entry for this variant (Variation ID: 140934). An algorithm developed to predict the effect of missense changes on protein structure and function (PolyPhen-2) suggests that this variant is likely to be tolerated. RNA analysis performed to evaluate the impact of this missense change on mRNA splicing indicates it does not significantly alter splicing (internal data). In summary, the available evidence is currently insufficient to determine the role of this variant in disease. Therefore, it has been classified as a Variant of Uncertain Significance.

Women's Health and Genetics/Laboratory Corporation of America, LabCorp
Classification: Uncertain significance. Last evaluated: 2023-10-10. Review status: criteria provided, single submitter. Criteria: LabCorp Variant Classification Summary - May 2015. Collection method: clinical testing. Allele origin: germline.
Comment: Variant summary: NBN c.1456T>C (p.Ser486Pro) results in a non-conservative amino acid change in the encoded protein sequence. Three of five in-silico tools predict a benign effect of the variant on protein function. The variant was absent in 250260 control chromosomes. The available data on variant occurrences in the general population are insufficient to allow any conclusion about variant significance. c.1456T>C has been reported in the literature in individuals affected with cancer, without strong evidence for causality (Ramus_2015, Belhadj_2023). These reports do not provide unequivocal conclusions about association of the variant with Nijmegen Breakage Syndrome. To our knowledge, no experimental evidence demonstrating an impact on protein function has been reported. Five submitters have cited clinical-significance assessments for this variant to ClinVar after 2014. All submitters classified the variant as uncertain significance. Based on the evidence outlined above, the variant was classified as uncertain significance.

Baylor Genetics
Classification: Uncertain significance for Aplastic anemia. Last evaluated: 2023-05-28. Review status: criteria provided, single submitter. Criteria: ACMG Guidelines, 2015. Collection method: clinical testing. Allele origin: unknown.

Ambry Genetics
Classification: Uncertain significance for Hereditary cancer-predisposing syndrome. Last evaluated: 2023-02-07. Review status: criteria provided, single submitter. Criteria: Ambry Variant Classification Scheme 2023. Collection method: clinical testing. Allele origin: germline.
Comment: The p.S486P variant (also known as c.1456T>C), located in coding exon 11 of the NBN gene, results from a T to C substitution at nucleotide position 1456. The serine at codon 486 is replaced by proline, an amino acid with similar properties. In one study, this alteration was observed in 1/3236 cases with invasive epithelial ovarian cancer and 0/3431 controls (Ramus SJ et al. J Natl Cancer Inst, 2015 Nov;107:). This variant was also identified in a cohort of 3,579 African males diagnosed with prostate cancer who underwent multi-gene panel testing of 19 DNA repair and cancer predisposition genes (Matejcic M et al. JCO Precis Oncol, 2020 Jan;4:32-43). This amino acid position is highly conserved in available vertebrate species. In addition, this alteration is predicted to be tolerated by in silico analysis. Since supporting evidence is limited at this time, the clinical significance of this alteration remains unclear.

Genome-Nilou Lab
Classification: Uncertain significance for Microcephaly, normal intelligence and immunodeficiency. Last evaluated: 2021-11-07. Review status: criteria provided, single submitter. Criteria: ACMG Guidelines, 2015. Collection method: clinical testing. Allele origin: germline. Affected: no.

GeneDx
Classification: Uncertain significance. Last evaluated: 2017-12-14. Review status: criteria provided, single submitter. Criteria: GeneDx Variant Classification (06012015). Collection method: clinical testing. Allele origin: germline. Affected: yes.
Comment: This variant is denoted NBN c.1456T>C at the cDNA level, p.Ser486Pro (S486P) at the protein level, and results in the change of a Serine to a Proline (TCT>CCT). This variant has not, to our knowledge, been published in the literature as pathogenic or benign. NBN Ser486Pro was not observed in large population cohorts (Lek 2016). Since Serine and Proline differ in polarity, charge, size or other properties, this is considered a non-conservative amino acid substitution. NBN Ser486Pro is not located in a known functional domain. In-silico analyses, including protein predictors and evolutionary conservation, support that this variant does not alter protein structure/function. Based on currently available information, it is unclear whether NBN Ser486Pro is pathogenic or benign. We consider it to be a variant of uncertain significance.

Literature cited by the submitters: PubMed 26315354 (cited by Women's Health and Genetics/Laboratory Corporation of America, LabCorp and Ambry Genetics); PubMed 36346689 (cited by Women's Health and Genetics/Laboratory Corporation of America, LabCorp); PubMed 32832836 (cited by Ambry Genetics).

NM_002485.5(NBN):c.1456T>C (p.Ser486Pro)

Gene: NBN (nibrin; minus strand). Cytogenetic location: 8q21.3.
Variant type: single nucleotide variant.
Coding change: c.1456T>C on transcript NM_002485.5 (MANE Select); coding-DNA position 1456, T replaced by C.
Protein change: p.Ser486Pro; replaces serine 486 with proline.
Molecular consequence: missense variant.
Genome position (GRCh38, 1-based): chr8:89,953,633, A>G on the plus strand (T>C on the coding strand, the complement: NBN is on the minus strand). VCF-style: chr8-89953633-A-G. GRCh37 (hg19) VCF-style: chr8-90965861-A-G.
Other names: c.1210T>C, p.Ser404Pro (NM_001024688.3); short protein forms S486P, S404P.
Identifiers: ClinVar variation 140934 (VCV000140934.23), dbSNP rs587781380, ClinGen allele CA163959.
Genomic context (GRCh38, chr8:89,953,633, plus strand): 5'-GCTCCTTATTTTTCCACAATGAGGGTGTAGCAGGTTGTGTTTGTTCTAAAAGAGAACAAG[A>G]CGTTTCTATTCTTGCTGATTTGCATGAAGACATTTCTTGATTTTCTTCATCCCTTTCCCT-3'
Protein context (NP_002476.2, residues 476-496): SSCKSARIET[Ser486Pro]CSLLEQTQPA